The following is an entry in ClinVar:

NM_005359.6(SMAD4):c.1077A>C (p.Gly359=)

Gene: SMAD4 (SMAD family member 4; plus strand). Cytogenetic location: 18q21.2.
Variant type: single nucleotide variant.
Coding change: c.1077A>C on transcript NM_005359.6 (MANE Select); coding-DNA position 1077, A replaced by C.
Protein change: p.Gly359=; no amino-acid change (glycine 359 retained).
Molecular consequence: synonymous variant. On other transcripts: non-coding transcript variant (2).
Genome position (GRCh38, 1-based): chr18:51,065,544, A>C. VCF-style: chr18-51065544-A-C. GRCh37 (hg19) VCF-style: chr18-48591914-A-C.
Other names: c.1077A>C, p.Gly359= (NM_001407041.1, NM_001407042.1, NM_001407043.1).
Identifiers: ClinVar variation 3904112 (VCV003904112.2).

ClinVar aggregate classification (germline): Benign/Likely benign. Review status: criteria provided, multiple submitters, no conflicts (2 of 4 stars). 2 submissions from 2 submitters: Benign (1); Likely benign (1). Last evaluated 2025-08-15.

Conditions:
Juvenile polyposis/hereditary hemorrhagic telangiectasia syndrome (JPHT). Also called: JP/HHT SYNDROME; JUVENILE POLYPOSIS WITH HEREDITARY HEMORRHAGIC TELANGIECTASIA; POLYPOSIS, GENERALIZED JUVENILE, WITH PULMONARY ARTERIOVENOUS MALFORMATION; TELANGIECTASIA, HEREDITARY HEMORRHAGIC, WITH JUVENILE POLYPOSIS COLI; Juvenile Polyposis Syndrome / Hereditary Hemorrhagic Telangiectasia (JPS/HHT). Identifiers: Orphanet 2929, MedGen C1832942, MONDO:0008278, OMIM 175050.
Familial thoracic aortic aneurysm and aortic dissection (TAAD). Also called: Thoracic aortic aneurysms and dissections. Identifiers: Orphanet 91387, MedGen C4707243, MONDO:0019625.
Hereditary cancer-predisposing syndrome. Also called: Neoplastic Syndromes, Hereditary; Tumor predisposition; Hereditary neoplastic syndrome; Hereditary Cancer Syndrome. Identifiers: Orphanet 140162, MedGen C0027672, MeSH D009386, MONDO:0015356.

Submissions (2):

Ambry Genetics
Classification: Likely benign for Hereditary cancer-predisposing syndrome; Familial thoracic aortic aneurysm and aortic dissection. Last evaluated: 2025-08-15. Review status: criteria provided, single submitter. Criteria: Ambry Variant Classification Scheme 2023. Collection method: clinical testing. Allele origin: germline.

Myriad Genetics, Inc.
Classification: Benign for Juvenile polyposis/hereditary hemorrhagic telangiectasia syndrome. Last evaluated: 2025-03-21. Review status: criteria provided, single submitter. Criteria: Myriad Autosomal Dominant, Autosomal Recessive and X-Linked Classification Criteria (2023). Collection method: clinical testing. Allele origin: unknown.
Comment: This variant is considered benign. This variant is a silent/synonymous amino acid change and it is not expected to impact splicing.